The following is an entry in ClinVar:

ClinVar aggregate classification (germline): Likely pathogenic (1 of 4 stars; one submission).

Conditions:
Autosomal recessive COASY-related disorders.

Submission:

Variantyx, Inc.
Classification: Likely pathogenic for Autosomal recessive COASY-related disorders. Last evaluated: 2026-01-12. Review status: criteria provided, single submitter. Criteria: Variantyx Assertion Criteria 2022. Collection method: clinical testing. Allele origin: germline. Inheritance: Autosomal recessive inheritance. Affected: no.
Comment: This is a frameshift variant in the COASY gene (OMIM: 609855). Pathogenic variants in this gene have been associated with autosomal recessive COASY-related disorders. This variant introduces a premature termination codon in exon 5 out of 9 and is expected to result in loss of function, which is a known disease mechanism for COASY in this disorder (PMID: 24360804, 30089828) (PVS1). This variant has not been reported in individuals with COASY-related disorders in the databases available for review, and it is absent from control populations (PM2). Based on the current evidence, this variant is classified as likely pathogenic for autosomal recessive COASY-related disorders.

Literature cited by the submitters: PubMed 24360804; PubMed 30089828.

NM_025233.7(COASY):c.1293dup (p.Gly432fs)

Gene: COASY (Coenzyme A synthase; plus strand). Cytogenetic location: 17q21.2.
Variant type: Duplication.
Coding change: c.1293dup on transcript NM_025233.7 (MANE Select); coding-DNA position 1293, one base duplicated (T; older notation c.1293dupT).
Protein change: p.Gly432fs; shifts the reading frame from glycine 432.
Molecular consequence: frameshift variant.
Genome position (GRCh38, 1-based): chr17:42,565,038, T duplicated; the last of 3 consecutive T bases (chr17:42,565,036-42,565,038); duplicating any one gives the same sequence. VCF-style (leftmost placement, unchanged base first): chr17-42565035-G-GT. GRCh37 (hg19) VCF-style: chr17-40717053-G-GT.
Other names: c.1293dup, p.Gly432fs (NM_001042529.3); c.1380dup, p.Gly461fs (NM_001042532.4); short protein forms G432fs, G461fs.
Identifiers: ClinVar variation 4850693 (VCV004850693.1).